The following is an entry in ClinVar:

NM_001370259.2(MEN1):c.1825G>C (p.Gly609Arg)

Gene: MEN1 (menin 1; minus strand). Cytogenetic location: 11q13.1.
Variant type: single nucleotide variant.
Coding change: c.1825G>C on transcript NM_001370259.2 (MANE Select); coding-DNA position 1825, G replaced by C.
Protein change: p.Gly609Arg; replaces glycine 609 with arginine.
Molecular consequence: missense variant. On other transcripts: non-coding transcript variant (4).
Genome position (GRCh38, 1-based): chr11:64,804,342, C>G on the plus strand (G>C on the coding strand, the complement: MEN1 is on the minus strand). VCF-style: chr11-64804342-C-G. GRCh37 (hg19) VCF-style: chr11-64571814-C-G.
Other names: c.1840G>C, p.Gly614Arg (NM_000244.4, NM_001407145.1, NM_130800.3 and 4 more transcripts); c.1951G>C, p.Gly651Arg (NM_001370251.2, NM_001407142.1, NM_001407143.1 and 1 more transcripts); c.1825G>C, p.Gly609Arg (NM_001370260.2, NM_001370261.2, NM_001407146.1 and 2 more transcripts); c.1720G>C, p.Gly574Arg (NM_001370262.2, NM_001370263.2, NM_001407148.1 and 1 more transcripts); c.1966G>C, p.Gly656Arg (NM_001407150.1); c.1846G>C, p.Gly616Arg (NM_001407151.1); c.1660G>C, p.Gly554Arg (NM_001407152.1); short protein forms G554R, G574R, G609R, G614R, G616R, G651R, G656R.
Identifiers: ClinVar variation 3229089 (VCV003229089.1), dbSNP rs2497097587, ClinGen allele CA381177029.
Genomic context (GRCh38, chr11:64,804,342, plus strand): 5'-GGACTAAGGGCGGAGCCTGGGTCCCCACAAGCGGTCCGAAGTCCCCAGTAGTTCAGAGGC[C>G]TTTGCGCTGCCGCTTGAGGAAAGACAGAGTGTAGTCACTAGGGGTGGACACTTTCTGCTT-3'
Protein context (NP_001357188.2, residues 599-610): TLSFLKRQRK[Gly609Arg]L

ClinVar aggregate classification (germline): Uncertain significance (1 of 4 stars; one submission).

Conditions:
Hereditary cancer-predisposing syndrome. Also called: Neoplastic Syndromes, Hereditary; Tumor predisposition; Hereditary neoplastic syndrome; Hereditary Cancer Syndrome. Identifiers: Orphanet 140162, MedGen C0027672, MeSH D009386, MONDO:0015356.

Submission:

Ambry Genetics
Classification: Uncertain significance for Hereditary cancer-predisposing syndrome. Last evaluated: 2023-11-12. Review status: criteria provided, single submitter. Criteria: Ambry Variant Classification Scheme 2023. Collection method: clinical testing. Allele origin: germline.
Comment: The p.G609R variant (also known as c.1825G>C), located in coding exon 9 of the MEN1 gene, results from a G to C substitution at nucleotide position 1825. The glycine at codon 609 is replaced by arginine, an amino acid with dissimilar properties. This amino acid position is conserved. In addition, the in silico prediction for this alteration is inconclusive. Since supporting evidence is limited at this time, the clinical significance of this alteration remains unclear.